The following is an entry in ClinVar:

NM_001114753.3(ENG):c.766_767delinsA (p.Pro256fs)

Gene: ENG (endoglin; minus strand). Cytogenetic location: 9q34.11.
Variant type: Indel.
Coding change: c.766_767delinsA on transcript NM_001114753.3 (MANE Select); coding-DNA positions 766 to 767, CC replaced by A.
Protein change: p.Pro256fs; shifts the reading frame from proline 256.
Molecular consequence: frameshift variant.
Genome position (GRCh38, 1-based): chr9:127,825,280-127,825,281, GG replaced by T on the plus strand (CC replaced by A on the coding strand, the reverse complement: ENG is on the minus strand). VCF-style: chr9-127825280-GG-T. GRCh37 (hg19) VCF-style: chr9-130587559-GG-T.
Other names: c.766_767delCCinsA, p.Pro256Thrfs (NM_000118.4, NM_001406715.1); c.220_221delinsA, p.Pro74fs (NM_001278138.2); short protein forms P256fs, P74fs.
Identifiers: ClinVar variation 1760033 (VCV001760033.2), dbSNP rs2539074102, ClinGen allele CA2580079662.
Genomic context (GRCh38, chr9:127,825,280, plus strand): 5'-GCACAACTCACCCAGATCTGCATGTTGTGGTTGGCGTCGATGAGCCAGGACACGTAGGGG[GG>T]ACCCTGCAGGATGAGGACGGCATCGAGATCCCCGGGTGCGCAGCTCAGTTCCACCTTCAC-3'

ClinVar aggregate classification (germline): Pathogenic (1 of 4 stars; one submission).

Conditions:
Cardiovascular phenotype. Identifiers: MedGen CN230736.

Submission:

Ambry Genetics
Classification: Pathogenic for Cardiovascular phenotype. Last evaluated: 2016-09-29. Review status: criteria provided, single submitter. Criteria: Ambry Variant Classification Scheme 2023. Collection method: clinical testing. Allele origin: germline.
Comment: The c.766_767delCCinsA pathogenic mutation, located in coding exon 6 of the ENG gene, results from the deletion of two nucleotides and insertion of one nucleotide causing a translational frameshift with a predicted alternate stop codon (p.P256Tfs*103). This alteration is expected to result in loss of function by premature protein truncation or nonsense-mediated mRNA decay. As such, this alteration is interpreted as a disease-causing mutation.